The following is an entry in ClinVar:

ClinVar aggregate classification (germline): Uncertain significance (1 of 4 stars; one submission).

Submission:

Labcorp Genetics (formerly Invitae), Labcorp
Classification: Uncertain significance. Last evaluated: 2022-12-20. Review status: criteria provided, single submitter. Criteria: Invitae Variant Classification Sherloc (09022015). Collection method: clinical testing. Allele origin: germline.
Comment: Advanced modeling of protein sequence and biophysical properties (such as structural, functional, and spatial information, amino acid conservation, physicochemical variation, residue mobility, and thermodynamic stability) performed at Invitae indicates that this missense variant is expected to disrupt COL11A2 protein function. In summary, the available evidence is currently insufficient to determine the role of this variant in disease. Therefore, it has been classified as a Variant of Uncertain Significance. This variant has not been reported in the literature in individuals affected with COL11A2-related conditions. This variant is not present in population databases (gnomAD no frequency). This sequence change replaces glycine, which is neutral and non-polar, with valine, which is neutral and non-polar, at codon 697 of the COL11A2 protein (p.Gly697Val).

NM_080680.3(COL11A2):c.2090G>T (p.Gly697Val)

Gene: COL11A2 (collagen type XI alpha 2 chain; minus strand). Cytogenetic location: 6p21.32.
Variant type: single nucleotide variant.
Coding change: c.2090G>T on transcript NM_080680.3 (MANE Select); coding-DNA position 2090, G replaced by T.
Protein change: p.Gly697Val; replaces glycine 697 with valine.
Molecular consequence: missense variant.
Genome position (GRCh38, 1-based): chr6:33,176,746, C>A on the plus strand (G>T on the coding strand, the complement: COL11A2 is on the minus strand). VCF-style: chr6-33176746-C-A. GRCh37 (hg19) VCF-style: chr6-33144523-C-A.
Other names: c.1910G>T, p.Gly637Val (NM_001424108.1); c.1244G>T, p.Gly415Val (NM_001424109.1); c.1064G>T, p.Gly355Val (NM_001424110.1, NM_001424111.1); c.44G>T, p.Gly15Val (NM_001424112.1); c.1769G>T, p.Gly590Val (NM_080679.3); c.1832G>T, p.Gly611Val (NM_080681.3); short protein forms G15V, G590V, G355V, G611V, G697V, G415V, G637V.
Identifiers: ClinVar variation 2822670 (VCV002822670.3), dbSNP rs2535106623, ClinGen allele CA363650871.